The following is an entry in ClinVar:

NM_001287491.2(TET3):c.3924CAGTGGCAG[1] (p.1309SGS[1])

Gene: TET3 (tet methylcytosine dioxygenase 3; plus strand). Cytogenetic location: 2p13.1.
Variant type: Microsatellite.
Coding change: c.3924CAGTGGCAG[1] on transcript NM_001287491.2 (MANE Select); one copy of the 9-base unit CAGTGGCAG starting at c.3924; the reference has two copies in a row; one copy, 9 bases deleted; also written c.3933_3941del.
Protein change: p.1309SGS[1].
Molecular consequence: inframe deletion. On other transcripts: inframe indel (1).
Genome position (GRCh38, 1-based): chr2:74,100,721-74,100,729, CAGTGGCAG deleted; deleting any 9 consecutive bases within chr2:74,100,712-74,100,729 gives the same sequence; the position shown is the placement nearest the transcript's 3' end. VCF-style (leftmost placement, unchanged base first): chr2-74100711-ACAGTGGCAG-A. GRCh37 (hg19) VCF-style: chr2-74327838-ACAGTGGCAG-A.
Other names: c.3933_3941del (NM_001287491.2); c.3645CAGTGGCAG[1], p.1216SGS[1] (NM_001366022.1); c.3519_3527CAGTGGCAG[1], p.Ser1177_Ser1179del (NM_144993.1).
Identifiers: ClinVar variation 2633328 (VCV002633328.2), dbSNP rs1223340008, ClinGen allele CA2659649552.

ClinVar aggregate classification (germline): Uncertain significance. Review status: criteria provided, multiple submitters, no conflicts (2 of 4 stars). 2 submissions from 2 submitters: Uncertain significance (2). Last evaluated 2025-03-04.

Conditions:
Beck-Fahrner syndrome (BEFAHRS). Identifiers: Orphanet 684216, MedGen C5394097, MONDO:0032922, OMIM 618798.
TET3-related disorder. Also called: TET3-Related Disease; TET3-related condition.

Submissions (2):

Revvity Omics, Revvity
Classification: Uncertain significance for Beck-Fahrner syndrome. Last evaluated: 2025-03-04. Review status: criteria provided, single submitter. Criteria: ACMG Guidelines, 2015. Collection method: clinical testing. Allele origin: germline.

PreventionGenetics, part of Exact Sciences
Classification: Uncertain significance for TET3-related condition. Last evaluated: 2023-04-18. Review status: criteria provided, single submitter. Criteria: ACMG Guidelines, 2015. Collection method: clinical testing. Allele origin: germline.
Comment: The TET3 c.3933_3941del9 variant is predicted to result in an in-frame deletion (p.Ser1312_Ser1314del). To our knowledge, this variant has not been reported in the literature or in a large population database, indicating this variant is rare. At this time, the clinical significance of this variant is uncertain due to the absence of conclusive functional and genetic evidence.